The following is an entry in ClinVar:

ClinVar aggregate classification (germline): Uncertain significance (1 of 4 stars; one submission).

Submission:

Ambry Genetics
Classification: Uncertain significance. Last evaluated: 2026-06-11. Review status: criteria provided, single submitter. Criteria: Ambry Variant Classification Scheme 2023. Collection method: clinical testing. Allele origin: germline.
Comment: The p.L154I variant (also known as c.460T>A), located in coding exon 4 of the RECQL gene, results from a T to A substitution at nucleotide position 460. The leucine at codon 154 is replaced by isoleucine, an amino acid with highly similar properties. This amino acid position is conserved. In addition, this alteration is predicted to be tolerated by in silico analysis. Based on the available evidence, the clinical significance of this variant remains unclear.

NM_002907.4(RECQL):c.460T>A (p.Leu154Ile)

Gene: RECQL (RecQ like helicase; minus strand). Cytogenetic location: 12p12.1.
Variant type: single nucleotide variant.
Coding change: c.460T>A on transcript NM_002907.4 (MANE Select); coding-DNA position 460, T replaced by A.
Protein change: p.Leu154Ile; replaces leucine 154 with isoleucine.
Molecular consequence: missense variant.
Genome position (GRCh38, 1-based): chr12:21,486,520, A>T on the plus strand (T>A on the coding strand, the complement: RECQL is on the minus strand). VCF-style: chr12-21486520-A-T. GRCh37 (hg19) VCF-style: chr12-21639454-A-T.
Other names: c.460T>A, p.Leu154Ile (NM_032941.3); short protein forms L154I.
Identifiers: ClinVar variation 4863136 (VCV004863136.1).